The following is an entry in ClinVar:

NM_000047.3(ARSL):c.1468G>A (p.Gly490Ser)

Gene: ARSL (arylsulfatase L; minus strand). Cytogenetic location: Xp22.33.
Variant type: single nucleotide variant.
Coding change: c.1468G>A on transcript NM_000047.3 (MANE Select); coding-DNA position 1468, G replaced by A.
Protein change: p.Gly490Ser; replaces glycine 490 with serine.
Molecular consequence: missense variant.
Genome position (GRCh38, 1-based): chrX:2,935,134, C>T on the plus strand (G>A on the coding strand, the complement: ARSL is on the minus strand). VCF-style: chrX-2935134-C-T. GRCh37 (hg19) VCF-style: chrX-2853175-C-T.
Other names: c.1543G>A, p.Gly515Ser (NM_001282628.2, NM_001369080.1); c.1306G>A, p.Gly436Ser (NM_001282631.2); c.1495G>A, p.Gly499Ser (NM_001369079.1); c.1468G>A (NM_000047.2); short protein forms G436S, G515S, G490S, G499S.
Identifiers: ClinVar variation 2056469 (VCV002056469.3), dbSNP rs762393900, ClinGen allele CA10337998.

ClinVar aggregate classification (germline): Conflicting classifications of pathogenicity. Review status: criteria provided, conflicting classifications (1 of 4 stars). 2 submissions from 2 submitters: Uncertain significance (1); Likely benign (1). Last evaluated 2025-12-01.

Conditions:
Chondrodysplasia punctata, brachytelephalangic, autosomal. Also called: BRACHYTELEPHALANGIC CHONDRODYSPLASIA PUNCTATA. Identifiers: MedGen C1844853, MONDO:0011238, OMIM 602497.
Inborn genetic diseases. Identifiers: MedGen C0950123, MeSH D030342.

Allele frequency attached by ClinVar (database versions not stated): gnomAD exomes 0.00003; gnomAD 0.00009; TOPMed 0.00009; ExAC 0.00012; 1000 Genomes Project 30x 0.00042; 1000 Genomes Project 0.00053.
gnomAD v4.1: 41 of 1,209,479 alleles (0.0034%); highest among the groups gnomAD compares: East Asian, 0.053%; no homozygotes.

Submissions (2):

Labcorp Genetics (formerly Invitae), Labcorp
Classification: Uncertain significance for Chondrodysplasia punctata, brachytelephalangic, autosomal. Last evaluated: 2025-12-01. Review status: criteria provided, single submitter. Criteria: Invitae Variant Classification Sherloc (09022015). Collection method: clinical testing. Allele origin: germline.
Comment: This sequence change replaces glycine, which is neutral and non-polar, with serine, which is neutral and polar, at codon 490 of the ARSE protein (p.Gly490Ser). This variant is present in population databases (rs762393900, gnomAD 0.06%), and has an allele count higher than expected for a pathogenic variant. This missense change has been observed in individual(s) with clinical features of ARSE-related conditions (PMID: 38374194). ClinVar contains an entry for this variant (Variation ID: 2056469). An algorithm developed to predict the effect of missense changes on protein structure and function outputs the following: PolyPhen-2: "Possibly Damaging". The serine amino acid residue is found in multiple mammalian species, which suggests that this missense change does not adversely affect protein function. In summary, the available evidence is currently insufficient to determine the role of this variant in disease. Therefore, it has been classified as a Variant of Uncertain Significance.

Ambry Genetics
Classification: Likely benign for Inborn genetic diseases. Last evaluated: 2024-07-25. Review status: criteria provided, single submitter. Criteria: Ambry Variant Classification Scheme 2023. Collection method: clinical testing. Allele origin: germline.

Literature cited by the submitters: PubMed 38374194 (cited by Labcorp Genetics (formerly Invitae), Labcorp).